The following is an entry in ClinVar:

ClinVar aggregate classification (germline): Uncertain significance (1 of 4 stars; one submission).

Submission:

GeneDx
Classification: Uncertain significance. Last evaluated: 2017-06-19. Review status: criteria provided, single submitter. Criteria: GeneDx Variant Classification (06012015). Collection method: clinical testing. Allele origin: germline. Affected: yes.
Comment: The P798L variant in the ABCC6 gene has not been published as a pathogenic variant nor as a benign variant, to our knowledge. The P798L variant is not observed in large population cohorts (Lek et al., 2016; 1000 Genomes Consortium et al., 2015; Exome Variant Server). The P798L variant is a semi-conservative amino acid substitution, which may impact secondary protein structure as these residues differ in some properties. This substitution occurs at a position that is conserved across species. In silico analysis predicts this variant is probably damaging to the protein structure/function. We interpret P798L as a variant of uncertain significance.

NM_001171.6(ABCC6):c.2393C>T (p.Pro798Leu)

Gene: ABCC6 (ATP binding cassette subfamily C member 6; minus strand). Cytogenetic location: 16p13.11.
Variant type: single nucleotide variant.
Coding change: c.2393C>T on transcript NM_001171.6 (MANE Select); coding-DNA position 2393, C replaced by T.
Protein change: p.Pro798Leu; replaces proline 798 with leucine.
Molecular consequence: missense variant. On other transcripts: non-coding transcript variant (1).
Genome position (GRCh38, 1-based): chr16:16,178,820, G>A on the plus strand (C>T on the coding strand, the complement: ABCC6 is on the minus strand). VCF-style: chr16-16178820-G-A. GRCh37 (hg19) VCF-style: chr16-16272677-G-A.
Other names: c.2051C>T, p.Pro684Leu (NM_001351800.1); short protein forms P798L, P684L.
Identifiers: ClinVar variation 71999 (VCV000071999.2), dbSNP rs142223793, ClinGen allele CA278645213.
Genomic context (GRCh38, chr16:16,178,820, plus strand): 5'-TTTGCCCTGTACTGTCTGACACATGTTCCCAAACTTACTGTTCCCTGGAGTAGTCCACCA[G>A]GCCCAATGACCTGGTTGAAGACATGCTGGCCAACGTGGGCATCCAGGGCCGCCAGGGGGT-3'
Protein context (NP_001162.5, residues 788-808): GQHVFNQVIG[Pro798Leu]GGLLQGTTRI